The following is an entry in ClinVar:

ClinVar aggregate classification (germline): Uncertain significance. Review status: criteria provided, multiple submitters, no conflicts (2 of 4 stars). 2 submissions from 2 submitters: Uncertain significance (2). Last evaluated 2024-05-13.

Conditions:
Brugada syndrome 8 (BRGDA8). Identifiers: Orphanet 130, MedGen C2751083, MONDO:0013148, OMIM 613123.

Allele frequency attached by ClinVar (database versions not stated): gnomAD 0.00001.
gnomAD v4.1: 8 of 1,613,990 alleles (0.0005%); highest among the groups gnomAD compares: South Asian, 0.0033%; no homozygotes.

Submissions (2):

Revvity Omics, Revvity
Classification: Uncertain significance. Last evaluated: 2024-05-13. Review status: criteria provided, single submitter. Criteria: ACMG Guidelines, 2015. Collection method: clinical testing. Allele origin: germline.

Labcorp Genetics (formerly Invitae), Labcorp
Classification: Uncertain significance for Brugada syndrome 8. Last evaluated: 2022-11-24. Review status: criteria provided, single submitter. Criteria: Invitae Variant Classification Sherloc (09022015). Collection method: clinical testing. Allele origin: germline.
Comment: This sequence change replaces glycine, which is neutral and non-polar, with cysteine, which is neutral and slightly polar, at codon 571 of the HCN4 protein (p.Gly571Cys). In summary, the available evidence is currently insufficient to determine the role of this variant in disease. Therefore, it has been classified as a Variant of Uncertain Significance. Advanced modeling of protein sequence and biophysical properties (such as structural, functional, and spatial information, amino acid conservation, physicochemical variation, residue mobility, and thermodynamic stability) performed at Invitae indicates that this missense variant is not expected to disrupt HCN4 protein function. This variant has not been reported in the literature in individuals affected with HCN4-related conditions. This variant is present in population databases (no rsID available, gnomAD 0.003%).

NM_005477.3(HCN4):c.1711G>T (p.Gly571Cys)

Gene: HCN4 (hyperpolarization activated cyclic nucleotide gated potassium channel 4; minus strand). Cytogenetic location: 15q24.1.
Variant type: single nucleotide variant.
Coding change: c.1711G>T on transcript NM_005477.3 (MANE Select); coding-DNA position 1711, G replaced by T.
Protein change: p.Gly571Cys; replaces glycine 571 with cysteine.
Molecular consequence: missense variant.
Genome position (GRCh38, 1-based): chr15:73,325,324, C>A on the plus strand (G>T on the coding strand, the complement: HCN4 is on the minus strand). VCF-style: chr15-73325324-C-A. GRCh37 (hg19) VCF-style: chr15-73617665-C-A.
Other names: short protein forms G571C.
Identifiers: ClinVar variation 2730721 (VCV002730721.4), dbSNP rs1319182551, ClinGen allele CA393091913.